The following is an entry in ClinVar:

NM_001166114.2(PNPLA6):c.3281-3C>T

Gene: PNPLA6 (patatin like domain 6, lysophospholipase; plus strand). Cytogenetic location: 19p13.2.
Variant type: single nucleotide variant.
Coding change: c.3281-3C>T on transcript NM_001166114.2 (MANE Select); 3 bases into the intron before coding-DNA position 3281, C replaced by T.
Molecular consequence: intron variant.
Genome position (GRCh38, 1-based): chr19:7,557,165, C>T. VCF-style: chr19-7557165-C-T. GRCh37 (hg19) VCF-style: chr19-7622051-C-T.
Other names: c.3167-3C>T (NM_006702.5, NM_001166113.1); c.3086-3C>T (NM_001166112.2); c.3311-3C>T (NM_001166111.2).
Identifiers: ClinVar variation 1024576 (VCV001024576.6), dbSNP rs2023917516, ClinGen allele CA2320977578.

ClinVar aggregate classification (germline): Uncertain significance (1 of 4 stars; one submission).

Conditions:
Hereditary spastic paraplegia 39 (SPG39). Also called: SPASTIC PARAPLEGIA 39, AUTOSOMAL RECESSIVE; Spastic Paraplegia Type 39 (SPG39). Identifiers: Orphanet 139480, MedGen C2677586, MONDO:0012787, OMIM 612020.

Allele frequency attached by ClinVar (database versions not stated): gnomAD exomes below 0.00001.
gnomAD v4.1: 1 of 1,606,472 alleles (0.000062%); highest among the groups gnomAD compares: South Asian, 0.0011%; no homozygotes.

Submission:

Labcorp Genetics (formerly Invitae), Labcorp
Classification: Uncertain significance for Hereditary spastic paraplegia 39. Last evaluated: 2022-02-05. Review status: criteria provided, single submitter. Criteria: Invitae Variant Classification Sherloc (09022015). Collection method: clinical testing. Allele origin: germline.
Comment: This variant is not present in population databases (gnomAD no frequency). This sequence change falls in intron 29 of the PNPLA6 gene. It does not directly change the encoded amino acid sequence of the PNPLA6 protein. It affects a nucleotide within the consensus splice site. This variant has not been reported in the literature in individuals affected with PNPLA6-related conditions. In summary, the available evidence is currently insufficient to determine the role of this variant in disease. Therefore, it has been classified as a Variant of Uncertain Significance. Variants that disrupt the consensus splice site are a relatively common cause of aberrant splicing (PMID: 17576681, 9536098). Algorithms developed to predict the effect of sequence changes on RNA splicing suggest that this variant may create or strengthen a splice site. ClinVar contains an entry for this variant (Variation ID: 1024576).

Literature cited by the submitters: PubMed 17576681; PubMed 9536098.